The following is an entry in ClinVar:

ClinVar aggregate classification (germline): Pathogenic. Review status: criteria provided, multiple submitters, no conflicts (2 of 4 stars). 2 submissions from 2 submitters: Pathogenic (2). Last evaluated 2020-05-21.

Conditions:
Gastrointestinal defects and immunodeficiency syndrome 1 (GIDID1). Also called: Combined immunodeficiency-enteropathy spectrum. Identifiers: Orphanet 436252, MedGen C5968858, MONDO:0800030, OMIM 243150.
Multiple gastrointestinal atresias. Also called: FAMILIAL INTESTINAL POLYATRESIA SYNDROME; Multiple intestinal atresia. Identifiers: Orphanet 2300, MedGen C0220744, MONDO:0009465.

Submissions (2):

Victorian Clinical Genetics Services, Murdoch Childrens Research Institute
Classification: Pathogenic for Gastrointestinal defects and immunodeficiency syndrome 1. Last evaluated: 2020-05-21. Review status: criteria provided, single submitter. Criteria: ACMG Guidelines, 2015. Collection method: clinical testing. Allele origin: germline. Inheritance: Autosomal recessive inheritance.
Comment: Based on the classification scheme VCGS_Germline_v1.1.1, this variant is classified as Pathogenic. Following criteria are met: 0102 - Loss-of-function is a known mechanism of disease for this gene (PMID: 24292712; 24417819). (N) 0106 - This gene is known to be associated with autosomal recessive gastrointestinal defects and immunodeficiency syndrome (OMIM). (N) 0202 - Variant is predicted to cause nonsense-mediated decay (NMD) and loss of protein but is located in an exon that may undergo alternative splicing (exon 16 of 20; GTEx Portal). (P) 0251 - Variant is heterozygous. (N) 0301 - Variant is absent from gnomAD. (P) 0701 - Comparable variants have very strong previous evidence for pathogenicity (ClinVar). (P) 0807 - Variant has not previously been reported in ClinVar or LOVD. (N) 0905 - No segregation evidence has been identified for this variant. (N) 1007 - No published functional evidence has been identified for this variant. (N) Legend: (P) - Pathogenic, (N) - Neutral, (B) - Benign

Labcorp Genetics (formerly Invitae), Labcorp
Classification: Pathogenic for Multiple gastrointestinal atresias. Last evaluated: 2019-07-18. Review status: criteria provided, single submitter. Criteria: Invitae Variant Classification Sherloc (09022015). Collection method: clinical testing. Allele origin: germline.
Comment: This variant is not present in population databases (ExAC no frequency). Loss-of-function variants in TTC7A are known to be pathogenic (PMID: 23830146, 24292712). This sequence change creates a premature translational stop signal (p.Cys623*) in the TTC7A gene. It is expected to result in an absent or disrupted protein product. For these reasons, this variant has been classified as Pathogenic.

Literature cited by the submitters: PubMed 24292712 (cited by Victorian Clinical Genetics Services, Murdoch Childrens Research Institute and Labcorp Genetics (formerly Invitae), Labcorp); PubMed 24417819 (cited by Victorian Clinical Genetics Services, Murdoch Childrens Research Institute); PubMed 23830146 (cited by Labcorp Genetics (formerly Invitae), Labcorp).

NM_020458.4(TTC7A):c.1869C>A (p.Cys623Ter)

Gene: TTC7A (tetratricopeptide repeat domain 7A; plus strand). Cytogenetic location: 2p21.
Variant type: single nucleotide variant.
Coding change: c.1869C>A on transcript NM_020458.4 (MANE Select); coding-DNA position 1869, C replaced by A.
Protein change: p.Cys623Ter; replaces cysteine 623 with a stop codon.
Molecular consequence: nonsense.
Genome position (GRCh38, 1-based): chr2:47,046,381, C>A. VCF-style: chr2-47046381-C-A. GRCh37 (hg19) VCF-style: chr2-47273520-C-A.
Other names: c.1869C>A, p.Cys623Ter (NM_001288951.2); c.1767C>A, p.Cys589Ter (NM_001288953.2); c.807C>A, p.Cys269Ter (NM_001288955.2); short protein forms C269*, C589*, C623*.
Identifiers: ClinVar variation 944711 (VCV000944711.12), dbSNP rs1682321195, ClinGen allele CA346719777.
Genomic context (GRCh38, chr2:47,046,381, plus strand): 5'-GTTCACCAAGGTGAAGCTGGAGCAGGTGCTGAAAGGCCCAGAGGAAGCCCTCGTGACCTG[C>A]AGACAAGTGCTGAGGCTGTGGCAGACCCTGTACAGCTTCTCCCAGCTGGGGTGAGTGGCC-3'